The following is an entry in ClinVar:

ClinVar aggregate classification (germline): Uncertain significance. Review status: criteria provided, multiple submitters, no conflicts (2 of 4 stars). 2 submissions from 2 submitters: Uncertain significance (2). Last evaluated 2025-11-12.

Conditions:
Retinitis pigmentosa 80 (RP80). Identifiers: MedGen C4540439, MONDO:0054708, OMIM 617781.
Saldino-Mainzer syndrome (SRTD9). Also called: CONORENAL SYNDROME; Renal dysplasia, retinal pigmentary dystrophy, cerebellar ataxia and skeletal dysplasia; short-rib thoracic dysplasia 9 with or without polydactyly; SHORT-RIB THORACIC DYSPLASIA 9 WITHOUT POLYDACTYLY. Identifiers: Orphanet 140969, MedGen C1849437, MONDO:0009964, OMIM 266920.

Allele frequency attached by ClinVar (database versions not stated): gnomAD exomes below 0.00001 and 0.00001; TOPMed below 0.00001; gnomAD 0.00001; ExAC 0.00002.
gnomAD v4.1: 6 of 1,613,730 alleles (0.00037%); highest among the groups gnomAD compares: Non-Finnish European, 0.00051%; no homozygotes.

Submissions (2):

Labcorp Genetics (formerly Invitae), Labcorp
Classification: Uncertain significance for Saldino-Mainzer syndrome. Last evaluated: 2025-11-12. Review status: criteria provided, single submitter. Criteria: Invitae Variant Classification Sherloc (09022015). Collection method: clinical testing. Allele origin: germline.
Comment: This sequence change replaces alanine, which is neutral and non-polar, with threonine, which is neutral and polar, at codon 1101 of the IFT140 protein (p.Ala1101Thr). This variant is present in population databases (rs760652531, gnomAD 0.002%). This variant has not been reported in the literature in individuals affected with IFT140-related conditions. ClinVar contains an entry for this variant (Variation ID: 1022219). Invitae Evidence Modeling of protein sequence and biophysical properties (such as structural, functional, and spatial information, amino acid conservation, physicochemical variation, residue mobility, and thermodynamic stability) has been performed for this missense variant. However, the output from this modeling did not meet the statistical confidence thresholds required to predict the impact of this variant on IFT140 protein function. In summary, the available evidence is currently insufficient to determine the role of this variant in disease. Therefore, it has been classified as a Variant of Uncertain Significance.

Fulgent Genetics
Classification: Uncertain significance for Saldino-Mainzer syndrome; Retinitis pigmentosa 80. Last evaluated: 2022-04-22. Review status: criteria provided, single submitter. Criteria: ACMG Guidelines, 2015. Collection method: clinical testing. Allele origin: unknown.

NM_014714.4(IFT140):c.3301G>A (p.Ala1101Thr)

Gene: IFT140 (intraflagellar transport 140; minus strand). Cytogenetic location: 16p13.3.
Variant type: single nucleotide variant.
Coding change: c.3301G>A on transcript NM_014714.4 (MANE Select); coding-DNA position 3301, G replaced by A.
Protein change: p.Ala1101Thr; replaces alanine 1101 with threonine.
Molecular consequence: missense variant.
Genome position (GRCh38, 1-based): chr16:1,523,670, C>T on the plus strand (G>A on the coding strand, the complement: IFT140 is on the minus strand). VCF-style: chr16-1523670-C-T. GRCh37 (hg19) VCF-style: chr16-1573671-C-T.
Other names: short protein forms A1101T.
Identifiers: ClinVar variation 1022219 (VCV001022219.9), dbSNP rs760652531, ClinGen allele CA7813205.